The following is an entry in ClinVar:

NM_000719.7(CACNA1C):c.1669+6C>T

Gene: CACNA1C (calcium voltage-gated channel subunit alpha1 C; plus strand). Cytogenetic location: 12p13.33.
Variant type: single nucleotide variant.
Coding change: c.1669+6C>T on transcript NM_000719.7 (MANE Select); 6 bases into the intron after coding-DNA position 1669, C replaced by T.
Molecular consequence: intron variant.
Genome position (GRCh38, 1-based): chr12:2,566,588, C>T. VCF-style: chr12-2566588-C-T. GRCh37 (hg19) VCF-style: chr12-2675754-C-T.
Other names: c.1669+6C>T (NM_001167624.3, NM_001167623.2, NM_001167625.2 and 18 more transcripts); c.1660+6C>T (NM_001129844.2).
Identifiers: ClinVar variation 834226 (VCV000834226.10), dbSNP rs770007601, ClinGen allele CA6388827.
Genomic context (GRCh38, chr12:2,566,588, plus strand): 5'-CTCACCATTGCCTCTGAGCACTACAACCAGCCCAACTGGCTCACAGAAGTCCAAGGTGAG[C>T]GGCGGCCCCAGCTCTGCTCTGGTTTCCTCCTGGTAACTCAGCCCCAAGGCCCAGGGGAGG-3'

ClinVar aggregate classification (germline): Conflicting classifications of pathogenicity. Review status: criteria provided, conflicting classifications (1 of 4 stars). 4 submissions from 4 submitters: Uncertain significance (1); Benign (1); Likely benign (2). Last evaluated 2026-01-08.

Conditions:
Long QT syndrome (LQTS). Identifiers: MedGen C0023976, MeSH D008133, MONDO:0002442. Disease mechanism: loss of function. Inheritance: Various modes of inheritance.

Allele frequency attached by ClinVar (database versions not stated): TOPMed 0.00004; gnomAD exomes 0.00005 and 0.00007; gnomAD 0.00006; ExAC 0.00011.
gnomAD v4.1: 87 of 1,589,918 alleles (0.0055%); highest among the groups gnomAD compares: East Asian, 0.053%; no homozygotes.

Submissions (4):

Labcorp Genetics (formerly Invitae), Labcorp
Classification: Uncertain significance for Long QT syndrome. Last evaluated: 2026-01-08. Review status: criteria provided, single submitter. Criteria: Invitae Variant Classification Sherloc (09022015). Collection method: clinical testing. Allele origin: germline.
Comment: This sequence change falls in intron 12 of the CACNA1C gene. It does not directly change the encoded amino acid sequence of the CACNA1C protein. It affects a nucleotide within the consensus splice site. The frequency data for this variant in the population databases is considered unreliable, as metrics indicate poor data quality at this position in the gnomAD database. This variant has not been reported in the literature in individuals affected with CACNA1C-related conditions. ClinVar contains an entry for this variant (Variation ID: 834226). Variants that disrupt the consensus splice site are a relatively common cause of aberrant splicing (PMID: 17576681, 9536098). Algorithms developed to predict the effect of sequence changes on RNA splicing suggest that this variant is not likely to affect RNA splicing. In summary, the available evidence is currently insufficient to determine the role of this variant in disease. Therefore, it has been classified as a Variant of Uncertain Significance.

ARUP Laboratories, Molecular Genetics and Genomics, ARUP Laboratories
Classification: Likely benign. Last evaluated: 2024-08-02. Review status: criteria provided, single submitter. Criteria: ARUP Molecular Germline Variant Investigation Process 2024. Collection method: clinical testing. Allele origin: germline.

Blueprint Genetics
Classification: Likely benign. Last evaluated: 2024-04-29. Review status: criteria provided, single submitter. Criteria: ACMG Guidelines, 2015. Collection method: clinical testing. Allele origin: germline.

GeneDx
Classification: Benign. Last evaluated: 2015-03-03. Review status: criteria provided, single submitter. Criteria: GeneDx Variant Classification Process June 2021. Collection method: clinical testing. Allele origin: germline. Affected: yes.

Literature cited by the submitters: PubMed 17576681 (cited by Labcorp Genetics (formerly Invitae), Labcorp); PubMed 9536098 (cited by Labcorp Genetics (formerly Invitae), Labcorp).